The following is an entry in ClinVar:

ClinVar aggregate classification (germline): Benign (0 of 4 stars; one submission).

Conditions:
CELSR1-related disorder. Also called: CELSR1-related condition.

Allele frequency attached by ClinVar (database versions not stated): TOPMed 0.02248; gnomAD 0.02333; ESP Exome Variant Server 0.02414; ExAC 0.02869; gnomAD exomes 0.03495; 1000 Genomes Project 30x 0.02092; 1000 Genomes Project 0.02196.
gnomAD v4.1: 54,495 of 1,612,930 alleles (3.4%); highest among the groups gnomAD compares: South Asian, 5.9%; 1,130 homozygotes.

Submissions (13):

PreventionGenetics, part of Exact Sciences
Classification: Benign for CELSR1-related condition. Last evaluated: 2019-03-01. Review status: no assertion criteria provided. Collection method: clinical testing. Allele origin: germline.
Comment: This variant is classified as benign based on ACMG/AMP sequence variant interpretation guidelines (Richards et al. 2015 PMID: 25741868, with internal and published modifications).

Dr. Peter K. Rogan Lab, Western University
No classification provided (evidence only). Condition: Lung cancer. Review status: no classification provided. Collection method: in vitro. Allele origin: not applicable. Functional consequence: retained intron. Not counted in ClinVar's aggregate classification.

Dr. Peter K. Rogan Lab, Western University
No classification provided (evidence only). Condition: Lung cancer. Review status: no classification provided. Collection method: in vitro. Allele origin: not applicable. Functional consequence: retained intron. Not counted in ClinVar's aggregate classification.

Dr. Peter K. Rogan Lab, Western University
No classification provided (evidence only). Condition: Lung cancer. Review status: no classification provided. Collection method: in vitro. Allele origin: not applicable. Functional consequence: retained intron. Not counted in ClinVar's aggregate classification.

Dr. Peter K. Rogan Lab, Western University
No classification provided (evidence only). Condition: Colorectal cancer. Review status: no classification provided. Collection method: in vitro. Allele origin: not applicable. Functional consequence: retained intron. Not counted in ClinVar's aggregate classification.

Dr. Peter K. Rogan Lab, Western University
No classification provided (evidence only). Condition: Uterine corpus endometrial carcinoma. Review status: no classification provided. Collection method: in vitro. Allele origin: not applicable. Functional consequence: retained intron. Not counted in ClinVar's aggregate classification.

Dr. Peter K. Rogan Lab, Western University
No classification provided (evidence only). Condition: Cervical cancer. Review status: no classification provided. Collection method: in vitro. Allele origin: not applicable. Functional consequence: retained intron. Not counted in ClinVar's aggregate classification.

Dr. Peter K. Rogan Lab, Western University
No classification provided (evidence only). Condition: Sarcoma. Review status: no classification provided. Collection method: in vitro. Allele origin: not applicable. Functional consequence: retained intron. Not counted in ClinVar's aggregate classification.

Dr. Peter K. Rogan Lab, Western University
No classification provided (evidence only). Condition: Sarcoma. Review status: no classification provided. Collection method: in vitro. Allele origin: not applicable. Functional consequence: retained intron. Not counted in ClinVar's aggregate classification.

Dr. Peter K. Rogan Lab, Western University
No classification provided (evidence only). Condition: Hepatocellular carcinoma. Review status: no classification provided. Collection method: in vitro. Allele origin: not applicable. Functional consequence: retained intron. Not counted in ClinVar's aggregate classification.

Dr. Peter K. Rogan Lab, Western University
No classification provided (evidence only). Condition: Thymoma. Review status: no classification provided. Collection method: in vitro. Allele origin: not applicable. Functional consequence: retained intron. Not counted in ClinVar's aggregate classification.

Dr. Peter K. Rogan Lab, Western University
No classification provided (evidence only). Condition: Cholangiocarcinoma. Review status: no classification provided. Collection method: in vitro. Allele origin: not applicable. Functional consequence: retained intron. Not counted in ClinVar's aggregate classification.

Dr. Peter K. Rogan Lab, Western University
No classification provided (evidence only). Condition: Gastric cancer. Review status: no classification provided. Collection method: in vitro. Allele origin: not applicable. Functional consequence: retained intron. Not counted in ClinVar's aggregate classification.

NM_001378328.1(CELSR1):c.1666C>G (p.Leu556Val)

Gene: CELSR1 (cadherin EGF LAG seven-pass G-type receptor 1; minus strand). Cytogenetic location: 22q13.31.
Variant type: single nucleotide variant.
Coding change: c.1666C>G on transcript NM_001378328.1 (MANE Select); coding-DNA position 1666, C replaced by G.
Protein change: p.Leu556Val; replaces leucine 556 with valine.
Molecular consequence: missense variant.
Genome position (GRCh38, 1-based): chr22:46,535,505, G>C on the plus strand (C>G on the coding strand, the complement: CELSR1 is on the minus strand). VCF-style: chr22-46535505-G-C. GRCh37 (hg19) VCF-style: chr22-46931402-G-C.
Other names: NC_000022.10:g.46931402G>C; c.1666C>G, p.Leu556Val (NM_014246.4); short protein forms L556V.
Identifiers: ClinVar variation 3038358 (VCV003038358.3), dbSNP rs11575871, ClinGen allele CA10295433.